The following is an entry in ClinVar:

NM_005902.4(SMAD3):c.109del (p.Ser37fs)

Gene: SMAD3 (SMAD family member 3; plus strand). Cytogenetic location: 15q22.33.
Variant type: Deletion.
Coding change: c.109del on transcript NM_005902.4 (MANE Select); coding-DNA position 109, one base deleted (A; older notation c.109delA).
Protein change: p.Ser37fs; shifts the reading frame from serine 37.
Molecular consequence: frameshift variant.
Genome position (GRCh38, 1-based): chr15:67,066,263, A deleted. VCF-style (leftmost placement, unchanged base first): chr15-67066262-GA-G. GRCh37 (hg19) VCF-style: chr15-67358600-GA-G.
Other names: c.109delA, p.Ser37Alafs (NM_001407011.1, NM_001407012.1, NM_001407013.1); short protein forms S37fs.
Identifiers: ClinVar variation 1791777 (VCV001791777.2), dbSNP rs2504999997, ClinGen allele CA2580089882.

ClinVar aggregate classification (germline): Pathogenic (1 of 4 stars; one submission).

Conditions:
Familial thoracic aortic aneurysm and aortic dissection (TAAD). Also called: Thoracic aortic aneurysms and dissections. Identifiers: Orphanet 91387, MedGen C4707243, MONDO:0019625.

Submission:

Ambry Genetics
Classification: Pathogenic for Familial thoracic aortic aneurysm and aortic dissection. Last evaluated: 2018-04-23. Review status: criteria provided, single submitter. Criteria: Ambry Variant Classification Scheme 2023. Collection method: clinical testing. Allele origin: germline.
Comment: The c.109delA pathogenic mutation, located in coding exon 1 of the SMAD3 gene, results from a deletion of one nucleotide at nucleotide position 109, causing a translational frameshift with a predicted alternate stop codon (p.S37Afs*79). This alteration is expected to result in loss of function by premature protein truncation or nonsense-mediated mRNA decay. As such, this alteration is interpreted as a disease-causing mutation.